The following is an entry in ClinVar:

NM_022367.4(SEMA4A):c.1685C>T (p.Pro562Leu)

Gene: SEMA4A (semaphorin 4A; plus strand). Cytogenetic location: 1q22.
Variant type: single nucleotide variant.
Coding change: c.1685C>T on transcript NM_022367.4 (MANE Select); coding-DNA position 1685, C replaced by T.
Protein change: p.Pro562Leu; replaces proline 562 with leucine.
Molecular consequence: missense variant.
Genome position (GRCh38, 1-based): chr1:156,175,648, C>T. VCF-style: chr1-156175648-C-T. GRCh37 (hg19) VCF-style: chr1-156145439-C-T.
Other names: c.1685C>T, p.Pro562Leu (NM_001193300.2, NM_001193301.2, NM_001370567.1); c.1289C>T, p.Pro430Leu (NM_001193302.2); c.1388C>T, p.Pro463Leu (NM_001370568.1); c.1178C>T, p.Pro393Leu (NM_001370569.1, NM_001370571.1); short protein forms P393L, P430L, P463L, P562L.
Identifiers: ClinVar variation 1054646 (VCV001054646.12), dbSNP rs780625142, ClinGen allele CA1155434.
Genomic context (GRCh38, chr1:156,175,648, plus strand): 5'-ACCCAGAGTGGGCATGTGCCAGTGGCCCCATGAGCAGGAGCCTTCGGCCTCAGAGCCGCC[C>T]GCAAATCAGTGAGTGTAGGACCACTCACCAGGGGAGGTGCAAAGGCTCTGGAAGACTTTT-3'
Protein context (NP_071762.2, residues 552-572): MSRSLRPQSR[Pro562Leu]QIIKEVLAVP

ClinVar aggregate classification (germline): Uncertain significance. Review status: criteria provided, multiple submitters, no conflicts (2 of 4 stars). 5 submissions from 4 submitters: Uncertain significance (5). Last evaluated 2026-01-05.

Conditions:
Cone-rod dystrophy 10 (CORD10). Identifiers: Orphanet 1872, MedGen C1846529, MONDO:0012464, OMIM 610283.
Retinitis pigmentosa 35 (RP35). Identifiers: Orphanet 791, MedGen C1853214, MONDO:0012463, OMIM 610282.

Allele frequency attached by ClinVar (database versions not stated): gnomAD 0.00001; TOPMed 0.00003; gnomAD exomes 0.00004.
gnomAD v4.1: 18 of 1,605,616 alleles (0.0011%); highest among the groups gnomAD compares: East Asian, 0.011%; no homozygotes.

Submissions (5):

Labcorp Genetics (formerly Invitae), Labcorp
Classification: Uncertain significance. Last evaluated: 2026-01-05. Review status: criteria provided, single submitter. Criteria: Invitae Variant Classification Sherloc (09022015). Collection method: clinical testing. Allele origin: germline.
Comment: This sequence change replaces proline, which is neutral and non-polar, with leucine, which is neutral and non-polar, at codon 562 of the SEMA4A protein (p.Pro562Leu). This variant is present in population databases (rs780625142, gnomAD 0.04%). This variant has not been reported in the literature in individuals affected with SEMA4A-related conditions. ClinVar contains an entry for this variant (Variation ID: 1054646). Invitae Evidence Modeling of protein sequence and biophysical properties (such as structural, functional, and spatial information, amino acid conservation, physicochemical variation, residue mobility, and thermodynamic stability) indicates that this missense variant is not expected to disrupt SEMA4A protein function with a negative predictive value of 80%. In summary, the available evidence is currently insufficient to determine the role of this variant in disease. Therefore, it has been classified as a Variant of Uncertain Significance.

Blueprint Genetics
Classification: Uncertain significance. Last evaluated: 2024-08-28. Review status: criteria provided, single submitter. Criteria: ACMG Guidelines, 2015. Collection method: clinical testing. Allele origin: germline.

Genome-Nilou Lab
Classification: Uncertain significance for Cone-rod dystrophy 10. Last evaluated: 2023-04-11. Review status: criteria provided, single submitter. Criteria: ACMG Guidelines, 2015. Collection method: clinical testing. Allele origin: germline. Affected: no.

Genome-Nilou Lab
Classification: Uncertain significance for Retinitis pigmentosa 35. Last evaluated: 2023-04-11. Review status: criteria provided, single submitter. Criteria: ACMG Guidelines, 2015. Collection method: clinical testing. Allele origin: germline. Affected: no.

Fulgent Genetics
Classification: Uncertain significance for Retinitis pigmentosa 35; Cone-rod dystrophy 10. Last evaluated: 2022-05-20. Review status: criteria provided, single submitter. Criteria: ACMG Guidelines, 2015. Collection method: clinical testing. Allele origin: unknown.